The following is an entry in ClinVar:

ClinVar aggregate classification (germline): Pathogenic (1 of 4 stars; one submission).

Conditions:
Glycogen storage disease, type II (IOPD). Also called: CARDIOMEGALIA GLYCOGENICA DIFFUSA; GLYCOGENOSIS, GENERALIZED, CARDIAC FORM; GSD II; POMPE DISEASE, INFANTILE-ONSET; GLYCOGEN STORAGE DISEASE II, INFANTILE-ONSET; ACID ALPHA-GLUCOSIDASE DEFICIENCY, INFANTILE-ONSET. Identifiers: Orphanet 365, MedGen C0017921, MONDO:0009290, OMIM 232300.

Submission:

Myriad Genetics, Inc.
Classification: Pathogenic for Glycogen storage disease, type II. Last evaluated: 2025-01-01. Review status: criteria provided, single submitter. Criteria: Myriad Autosomal Dominant, Autosomal Recessive and X-Linked Classification Criteria (2023). Collection method: clinical testing. Allele origin: unknown.
Comment: NM_000152.3(GAA):c.772_785del14(T258Afs*67) is expected to be pathogenic in the context of Pompe disease. This variant is predicted to lead to an abnormal or absent protein product due to the creation of a premature termination codon in GAA, a gene where loss-of-function variants are known to be pathogenic. Please note: this variant was assessed in the context of healthy population screening.

NM_000152.5(GAA):c.772_785del (p.Thr258fs)

Gene: GAA (alpha glucosidase; plus strand). Cytogenetic location: 17q25.3.
Variant type: Deletion.
Coding change: c.772_785del on transcript NM_000152.5 (MANE Select); coding-DNA positions 772 to 785, 14 bases deleted (ACAGGCCTCGCCGA).
Protein change: p.Thr258fs; shifts the reading frame from threonine 258.
Molecular consequence: frameshift variant.
Genome position (GRCh38, 1-based): chr17:80,107,636-80,107,649, ACAGGCCTCGCCGA deleted. VCF-style (leftmost placement, unchanged base first): chr17-80107635-CACAGGCCTCGCCGA-C. GRCh37 (hg19) VCF-style: chr17-78081434-CACAGGCCTCGCCGA-C.
Other names: c.772_785del, p.Thr258fs (NM_001079803.3, NM_001079804.3); short protein forms T258fs.
Identifiers: ClinVar variation 5013906 (VCV005013906.1).